The following is an entry in ClinVar:

NM_000170.3(GLDC):c.1069G>A (p.Gly357Arg)

Gene: GLDC (glycine decarboxylase; minus strand). Cytogenetic location: 9p24.1.
Variant type: single nucleotide variant.
Coding change: c.1069G>A on transcript NM_000170.3 (MANE Select); coding-DNA position 1069, G replaced by A.
Protein change: p.Gly357Arg; replaces glycine 357 with arginine.
Molecular consequence: missense variant.
Genome position (GRCh38, 1-based): chr9:6,602,195, C>T on the plus strand (G>A on the coding strand, the complement: GLDC is on the minus strand). VCF-style: chr9-6602195-C-T. GRCh37 (hg19) VCF-style: chr9-6602195-C-T.
Other names: short protein forms G357R.
Identifiers: ClinVar variation 1515899 (VCV001515899.3), dbSNP rs941998596, ClinGen allele CA188679868.

ClinVar aggregate classification (germline): Uncertain significance (1 of 4 stars; one submission).

Conditions:
Glycine encephalopathy. Also called: Nonketotic hyperglycinemia; Non-ketotic hyperglycinemia. Identifiers: Orphanet 407, MedGen C0751748, MONDO:0011612, HP:0008288.

Allele frequency attached by ClinVar (database versions not stated): gnomAD exomes below 0.00001; TOPMed below 0.00001; gnomAD 0.00001.

Submission:

Labcorp Genetics (formerly Invitae), Labcorp
Classification: Uncertain significance for Glycine encephalopathy. Last evaluated: 2021-11-16. Review status: criteria provided, single submitter. Criteria: Invitae Variant Classification Sherloc (09022015). Collection method: clinical testing. Allele origin: germline.
Comment: This sequence change replaces glycine, which is neutral and non-polar, with arginine, which is basic and polar, at codon 357 of the GLDC protein (p.Gly357Arg). This variant is not present in population databases (gnomAD no frequency). This variant has not been reported in the literature in individuals affected with GLDC-related conditions. Advanced modeling of protein sequence and biophysical properties (such as structural, functional, and spatial information, amino acid conservation, physicochemical variation, residue mobility, and thermodynamic stability) performed at Invitae indicates that this missense variant is expected to disrupt GLDC protein function. In summary, the available evidence is currently insufficient to determine the role of this variant in disease. Therefore, it has been classified as a Variant of Uncertain Significance.